The following is an entry in ClinVar:

ClinVar aggregate classification (germline): Uncertain significance. Review status: criteria provided, multiple submitters, no conflicts (2 of 4 stars). 2 submissions from 2 submitters: Uncertain significance (2). Last evaluated 2023-06-17.

Conditions:
Hereditary cancer-predisposing syndrome. Also called: Hereditary neoplastic syndrome; Neoplastic Syndromes, Hereditary; Hereditary Cancer Syndrome; Tumor predisposition. Identifiers: Orphanet 140162, MedGen C0027672, MeSH D009386, MONDO:0015356.
Familial cancer of breast. Also called: BREAST CANCER, FAMILIAL; Hereditary breast cancer; hereditary breast carcinoma. Identifiers: Orphanet 227535, MedGen C0346153, MONDO:0016419, OMIM 114480. Disease mechanism: loss of function.

Allele frequency attached by ClinVar (database versions not stated): gnomAD exomes 0.00001.
gnomAD v4.1: 3 of 1,613,470 alleles (0.00019%); highest among the groups gnomAD compares: South Asian, 0.0033%; no homozygotes.

Submissions (2):

Ambry Genetics
Classification: Uncertain significance for Hereditary cancer-predisposing syndrome. Last evaluated: 2023-06-17. Review status: criteria provided, single submitter. Criteria: Ambry Variant Classification Scheme 2023. Collection method: clinical testing. Allele origin: germline.
Comment: The p.F147L variant (also known as c.439T>C), located in coding exon 4 of the BARD1 gene, results from a T to C substitution at nucleotide position 439. The phenylalanine at codon 147 is replaced by leucine, an amino acid with highly similar properties. This amino acid position is conserved. In addition, the in silico prediction for this alteration is inconclusive. Since supporting evidence is limited at this time, the clinical significance of this alteration remains unclear.

Labcorp Genetics (formerly Invitae), Labcorp
Classification: Uncertain significance for Familial cancer of breast. Last evaluated: 2017-11-27. Review status: criteria provided, single submitter. Criteria: Invitae Variant Classification Sherloc (09022015). Collection method: clinical testing. Allele origin: germline.
Comment: In summary, the available evidence is currently insufficient to determine the role of this variant in disease. Therefore, it has been classified as a Variant of Uncertain Significance. Algorithms developed to predict the effect of missense changes on protein structure and function do not agree on the potential impact of this missense change (SIFT: "Deleterious"; PolyPhen-2: "Possibly Damaging"; Align-GVGD: "Class C15"). This sequence change replaces phenylalanine with leucine at codon 147 of the BARD1 protein (p.Phe147Leu). The phenylalanine residue is highly conserved and there is a small physicochemical difference between phenylalanine and leucine. This variant has not been reported in the literature in individuals with BARD1-related disease. This variant is not present in population databases (ExAC no frequency).

NM_000465.4(BARD1):c.439T>C (p.Phe147Leu)

Gene: BARD1 (BRCA1 associated RING domain 1; minus strand). Cytogenetic location: 2q35.
Variant type: single nucleotide variant.
Coding change: c.439T>C on transcript NM_000465.4 (MANE Select); coding-DNA position 439, T replaced by C.
Protein change: p.Phe147Leu; replaces phenylalanine 147 with leucine.
Molecular consequence: missense variant. On other transcripts: non-coding transcript variant (2), intron variant (3).
Genome position (GRCh38, 1-based): chr2:214,781,435, A>G on the plus strand (T>C on the coding strand, the complement: BARD1 is on the minus strand). VCF-style: chr2-214781435-A-G. GRCh37 (hg19) VCF-style: chr2-215646159-A-G.
Other names: c.382T>C, p.Phe128Leu (NM_001282543.2); c.158+27977T>C (NM_001282548.2); c.215+15626T>C (NM_001282545.2); c.364+10862T>C (NM_001282549.2); c.439T>C (NM_000465.2); short protein forms F147L, F128L.
Identifiers: ClinVar variation 530147 (VCV000530147.11), dbSNP rs876658313, ClinGen allele CA350457764.
Genomic context (GRCh38, chr2:214,781,435, plus strand): 5'-GCTGGGTTTGCACTGAAGCTTTACTCACAACATATCTGACTTTCTTACTTCGAGGGCTAA[A>G]CCACATTTTAATTGAATTCTTCTTGTTTCCTGCATCATTAAACAAACTTTTCCTAGGTTT-3'
Protein context (NP_000456.2, residues 137-157): GNKKNSIKMW[Phe147Leu]SPRSKKVRYV